The following is an entry in ClinVar:

ClinVar aggregate classification (germline): Conflicting classifications of pathogenicity. Review status: criteria provided, conflicting classifications (1 of 4 stars). 4 submissions from 4 submitters: Likely pathogenic (2); Uncertain significance (2). Last evaluated 2025-07-29.

Conditions:
Benign concentric annular macular dystrophy. Identifiers: Orphanet 251287, MedGen C5561925, MONDO:0007934, OMIM 153870.
Retinitis pigmentosa (RP). Identifiers: Orphanet 791, MedGen C0035334, MeSH D012174, MONDO:0019200, OMIM 268000. Inheritance: Autosomal dominant, autosomal recessive and X linked inheritance.

Allele frequency attached by ClinVar (database versions not stated): gnomAD exomes below 0.00001 and 0.00001; TOPMed 0.00001.
gnomAD v4.1: 8 of 1,613,776 alleles (0.0005%); highest among the groups gnomAD compares: Non-Finnish European, 0.00068%; no homozygotes.

Submissions (4):

Labcorp Genetics (formerly Invitae), Labcorp
Classification: Likely pathogenic. Last evaluated: 2025-07-29. Review status: criteria provided, single submitter. Criteria: Invitae Variant Classification Sherloc (09022015). Collection method: clinical testing. Allele origin: germline.
Comment: This sequence change replaces leucine, which is neutral and non-polar, with phenylalanine, which is neutral and non-polar, at codon 626 of the IMPG1 protein (p.Leu626Phe). This variant is present in population databases (no rsID available, gnomAD 0.0009%). This missense change has been observed in individuals with clinical features of autosomal dominant retinitis pigmentosa (PMID: 32817297; internal data). ClinVar contains an entry for this variant (Variation ID: 1063374). An algorithm developed to predict the effect of missense changes on protein structure and function (PolyPhen-2) suggests that this variant is likely to be disruptive. In summary, the currently available evidence indicates that the variant is pathogenic, but additional data are needed to prove that conclusively. Therefore, this variant has been classified as Likely Pathogenic.

Ophthalmic Genetics Group, Institute of Molecular and Clinical Ophthalmology Basel
Classification: Likely pathogenic for Retinitis pigmentosa. Last evaluated: 2023-07-24. Review status: criteria provided, single submitter. Criteria: ACMG Guidelines, 2015. Collection method: research. Allele origin: germline. Affected: yes. Observed: 1 variant allele.
Comment: Clinical significance based on ACMG v2.0

This variant was classified as Likely pathogenic based on ACMG criteria: PP5, PM2.

SIB Swiss Institute of Bioinformatics
Classification: Uncertain significance for Benign concentric annular macular dystrophy. Last evaluated: 2022-03-18. Review status: criteria provided, single submitter. Criteria: ACMG Guidelines, 2015. Collection method: curation. Allele origin: unknown.
Comment: This variant is interpreted as a variant of uncertain significance for Retinitis pigmentosa 91, autosomal dominant. The following ACMG Tag(s) were applied: Absent from controls (or at extremely low frequency if recessive) in Exome Sequencing Project, 1000 Genomes Project, or Exome Aggregation Consortium (PM2); Multiple lines of computational evidence support a deleterious effect on the gene or gene product (PP3).

Blueprint Genetics
Classification: Uncertain significance. Last evaluated: 2021-11-11. Review status: criteria provided, single submitter. Criteria: ACMG Guidelines, 2015. Collection method: clinical testing. Allele origin: germline.

Literature cited by the submitters: PubMed 32817297 (cited by Labcorp Genetics (formerly Invitae), Labcorp and SIB Swiss Institute of Bioinformatics); PubMed 36909829 (cited by Ophthalmic Genetics Group, Institute of Molecular and Clinical Ophthalmology Basel).

NM_001563.4(IMPG1):c.1876C>T (p.Leu626Phe)

Gene: IMPG1 (interphotoreceptor matrix proteoglycan 1; minus strand). Cytogenetic location: 6q14.1.
Variant type: single nucleotide variant.
Coding change: c.1876C>T on transcript NM_001563.4 (MANE Select); coding-DNA position 1876, C replaced by T.
Protein change: p.Leu626Phe; replaces leucine 626 with phenylalanine.
Molecular consequence: missense variant.
Genome position (GRCh38, 1-based): chr6:75,947,482, G>A on the plus strand (C>T on the coding strand, the complement: IMPG1 is on the minus strand). VCF-style: chr6-75947482-G-A. GRCh37 (hg19) VCF-style: chr6-76657199-G-A.
Other names: NP_001554.2:p.(Leu626Phe); c.1642C>T, p.Leu548Phe (NM_001282368.2); short protein forms L548F, L626F.
Identifiers: ClinVar variation 1063374 (VCV001063374.11), dbSNP rs1051579797, ClinGen allele CA141081007.